The following is an entry in ClinVar:

NM_000550.3(TYRP1):c.1189del (p.Asp397fs)

Genes: LURAP1L-AS1 (LURAP1L antisense RNA 1; minus strand), TYRP1 (tyrosinase related protein 1; plus strand). Cytogenetic location: 9p23.
Variant type: Deletion.
Coding change: c.1189del on transcript NM_000550.3 (MANE Select); coding-DNA position 1189, one base deleted (G; older notation c.1189delG).
Protein change: p.Asp397fs; shifts the reading frame from aspartic acid 397.
Molecular consequence: frameshift variant.
Genome position (GRCh38, 1-based): chr9:12,704,633, G deleted. VCF-style (leftmost placement, unchanged base first): chr9-12704632-TG-T. GRCh37 (hg19) VCF-style: chr9-12704632-TG-T.
Other names: short protein forms D397fs.
Identifiers: ClinVar variation 3663318 (VCV003663318.2).

ClinVar aggregate classification (germline): Pathogenic (1 of 4 stars; one submission).

Submission:

Labcorp Genetics (formerly Invitae), Labcorp
Classification: Pathogenic. Last evaluated: 2024-08-23. Review status: criteria provided, single submitter. Criteria: Invitae Variant Classification Sherloc (09022015). Collection method: clinical testing. Allele origin: germline.
Comment: This sequence change creates a premature translational stop signal (p.Asp397Ilefs*19) in the TYRP1 gene. It is expected to result in an absent or disrupted protein product. Loss-of-function variants in TYRP1 are known to be pathogenic (PMID: 8651291, 9345097). This variant is not present in population databases (gnomAD no frequency). This variant has not been reported in the literature in individuals affected with TYRP1-related conditions. For these reasons, this variant has been classified as Pathogenic.

Literature cited by the submitters: PubMed 8651291; PubMed 9345097.